The following is an entry in ClinVar:

NM_001042492.3(NF1):c.2103A>G (p.Glu701=)

Gene: NF1 (neurofibromin 1; plus strand). Cytogenetic location: 17q11.2.
Variant type: single nucleotide variant.
Coding change: c.2103A>G on transcript NM_001042492.3 (MANE Select); coding-DNA position 2103, A replaced by G.
Protein change: p.Glu701=; no amino-acid change (glutamic acid 701 retained).
Molecular consequence: synonymous variant.
Genome position (GRCh38, 1-based): chr17:31,226,536, A>G. VCF-style: chr17-31226536-A-G. GRCh37 (hg19) VCF-style: chr17-29553554-A-G.
Other names: c.2103A>G, p.Glu701= (NM_000267.4).
Identifiers: ClinVar variation 1098093 (VCV001098093.10), dbSNP rs2151425793, ClinGen allele CA499443750.

ClinVar aggregate classification (germline): Benign/Likely benign. Review status: criteria provided, multiple submitters, no conflicts (2 of 4 stars). 3 submissions from 3 submitters: Benign (1); Likely benign (2). Last evaluated 2026-05-15.

Conditions:
Cardiovascular phenotype. Identifiers: MedGen CN230736.
Hereditary cancer-predisposing syndrome. Also called: Neoplastic Syndromes, Hereditary; Tumor predisposition; Hereditary Cancer Syndrome; Hereditary neoplastic syndrome. Identifiers: Orphanet 140162, MedGen C0027672, MeSH D009386, MONDO:0015356.
Neurofibromatosis, type 1 (NF1). Also called: Peripheral type neurofibromatosis; NEUROFIBROMATOSIS, TYPE I, SOMATIC; VON RECKLINGHAUSEN DISEASE; Neurofibromatosis, type I. Identifiers: Orphanet 636, MedGen C0027831, MONDO:0018975, OMIM 162200. Disease mechanism: loss of function.

Submissions (3):

Myriad Genetics, Inc.
Classification: Benign for Neurofibromatosis, type 1. Last evaluated: 2026-05-15. Review status: criteria provided, single submitter. Criteria: Myriad Autosomal Dominant, Autosomal Recessive and X-Linked Classification Criteria (2023). Collection method: clinical testing. Allele origin: unknown.
Comment: This variant is considered benign. This variant is a silent/synonymous amino acid change and it is not expected to impact splicing.

Labcorp Genetics (formerly Invitae), Labcorp
Classification: Likely benign for Neurofibromatosis, type 1. Last evaluated: 2025-12-24. Review status: criteria provided, single submitter. Criteria: Invitae Variant Classification Sherloc (09022015). Collection method: clinical testing. Allele origin: germline.

Ambry Genetics
Classification: Likely benign for Cardiovascular phenotype; Hereditary cancer-predisposing syndrome. Last evaluated: 2021-08-21. Review status: criteria provided, single submitter. Criteria: Ambry Variant Classification Scheme 2023. Collection method: clinical testing. Allele origin: germline.